The following is an entry in ClinVar:

ClinVar aggregate classification (germline): Uncertain significance (1 of 4 stars; one submission).

Conditions:
Hereditary cancer-predisposing syndrome. Also called: Neoplastic Syndromes, Hereditary; Tumor predisposition; Hereditary neoplastic syndrome; Hereditary Cancer Syndrome. Identifiers: Orphanet 140162, MedGen C0027672, MeSH D009386, MONDO:0015356.

Submission:

Ambry Genetics
Classification: Uncertain significance for Hereditary cancer-predisposing syndrome. Last evaluated: 2023-02-26. Review status: criteria provided, single submitter. Criteria: Ambry Variant Classification Scheme 2023. Collection method: clinical testing. Allele origin: germline.
Comment: The p.N618S variant (also known as c.1853A>G), located in coding exon 12 of the NBN gene, results from an A to G substitution at nucleotide position 1853. The asparagine at codon 618 is replaced by serine, an amino acid with highly similar properties. This amino acid position is conserved. In addition, this alteration is predicted to be tolerated by in silico analysis. Since supporting evidence is limited at this time, the clinical significance of this alteration remains unclear.

NM_002485.5(NBN):c.1853A>G (p.Asn618Ser)

Genes: NBN (nibrin; minus strand), LOC126860438 (MED14-independent group 3 enhancer GRCh37_chr8:90959982-90961181; plus strand). Cytogenetic location: 8q21.3.
Variant type: single nucleotide variant.
Coding change: c.1853A>G on transcript NM_002485.5 (MANE Select); coding-DNA position 1853, A replaced by G.
Protein change: p.Asn618Ser; replaces asparagine 618 with serine.
Molecular consequence: missense variant.
Genome position (GRCh38, 1-based): chr8:89,947,885, T>C on the plus strand (A>G on the coding strand, the complement: NBN is on the minus strand). VCF-style: chr8-89947885-T-C. GRCh37 (hg19) VCF-style: chr8-90960113-T-C.
Other names: c.1607A>G, p.Asn536Ser (NM_001024688.3); short protein forms N536S, N618S.
Identifiers: ClinVar variation 2452409 (VCV002452409.2), dbSNP rs2488209829, ClinGen allele CA371677309.